The following is an entry in ClinVar:

ClinVar aggregate classification (germline): Uncertain significance (1 of 4 stars; one submission).

Conditions:
Hereditary cancer-predisposing syndrome. Also called: Neoplastic Syndromes, Hereditary; Hereditary neoplastic syndrome; Tumor predisposition; Hereditary Cancer Syndrome. Identifiers: Orphanet 140162, MedGen C0027672, MeSH D009386, MONDO:0015356.

Submission:

Color Diagnostics, LLC DBA Color Health
Classification: Uncertain significance for Hereditary cancer-predisposing syndrome. Last evaluated: 2025-07-28. Review status: criteria provided, single submitter. Criteria: ACMG Guidelines, 2015. Collection method: clinical testing. Allele origin: germline.
Comment: This missense variant replaces phenylalanine with leucine at codon 2223 of the BRCA2 protein. Computational prediction suggests that this variant may not impact protein structure and function. To our knowledge, functional studies have not been reported for this variant. This variant has not been reported in individuals affected with BRCA2-related disorders in the literature. This variant has not been identified in the general population by the Genome Aggregation Database (gnomAD). The available evidence is insufficient to determine the role of this variant in disease conclusively. Therefore, this variant is classified as a Variant of Uncertain Significance.

NM_000059.4(BRCA2):c.6667T>C (p.Phe2223Leu)

Gene: BRCA2 (BRCA2 DNA repair associated; plus strand). Cytogenetic location: 13q13.1.
Variant type: single nucleotide variant.
Coding change: c.6667T>C on transcript NM_000059.4 (MANE Select); coding-DNA position 6667, T replaced by C.
Protein change: p.Phe2223Leu; replaces phenylalanine 2223 with leucine.
Molecular consequence: missense variant. On other transcripts: non-coding transcript variant (1), intron variant (2).
Genome position (GRCh38, 1-based): chr13:32,341,022, T>C. VCF-style: chr13-32341022-T-C. GRCh37 (hg19) VCF-style: chr13-32915159-T-C.
Other names: c.6667T>C, p.Phe2223Leu (NM_001406719.1, NM_001406720.1, NM_001432077.1); c.1910-3536T>C (NM_001406721.1); c.425-3536T>C (NM_001406722.1); short protein forms F2223L.
Identifiers: ClinVar variation 4759095 (VCV004759095.1).